The following is an entry in ClinVar:

ClinVar aggregate classification (germline): Uncertain significance. Review status: criteria provided, multiple submitters, no conflicts (2 of 4 stars). 2 submissions from 2 submitters: Uncertain significance (2). Last evaluated 2022-03-09.

Conditions:
Hypertrophic cardiomyopathy 20. Identifiers: MedGen C3151267, MONDO:0013477, OMIM 613876.
Dilated cardiomyopathy 1CC (CMD1CC). Identifiers: Orphanet 154, MedGen C2751084, MONDO:0013147, OMIM 613122.

Submissions (2):

Labcorp Genetics (formerly Invitae), Labcorp
Classification: Uncertain significance for Dilated cardiomyopathy 1CC; Hypertrophic cardiomyopathy 20. Last evaluated: 2022-03-09. Review status: criteria provided, single submitter. Criteria: Invitae Variant Classification Sherloc (09022015). Collection method: clinical testing. Allele origin: germline.
Comment: In summary, the available evidence is currently insufficient to determine the role of this variant in disease. Therefore, it has been classified as a Variant of Uncertain Significance. Experimental studies and prediction algorithms are not available or were not evaluated, and the functional significance of this variant is currently unknown. ClinVar contains an entry for this variant (Variation ID: 201933). This variant has not been reported in the literature in individuals affected with NEXN-related conditions. This variant is not present in population databases (gnomAD no frequency). This sequence change creates a premature translational stop signal (p.Tyr637*) in the NEXN gene. While this is not anticipated to result in nonsense mediated decay, it is expected to disrupt the last 39 amino acid(s) of the NEXN protein.

GeneDx
Classification: Uncertain significance. Last evaluated: 2017-04-17. Review status: criteria provided, single submitter. Criteria: GeneDx Variant Classification (06012015). Collection method: clinical testing. Allele origin: germline. Affected: yes.
Comment: The Y637X variant in the NEXN gene has not been reported as a pathogenic or benign to our knowledge. This variant is not observed in large population cohorts (Lek et al., 2016; 1000 Genomes Consortium et al., 2015; Exome Variant Server). The Y637X variant is is expected to result in a prematurely truncated protein product at the last exon of NEXN without nonsense-mediated decay Furthermore, only a few nonsense variants in the NEXN gene have been reported in Human Gene Mutation Database in association with cardiomyopathy; however, the pathogenicity of these variants has not been definitively determined (Stenson et al., 2014).

NM_144573.4(NEXN):c.1911C>A (p.Tyr637Ter)

Gene: NEXN (nexilin F-actin binding protein; plus strand). Cytogenetic location: 1p31.1.
Variant type: single nucleotide variant.
Coding change: c.1911C>A on transcript NM_144573.4 (MANE Select); coding-DNA position 1911, C replaced by A.
Protein change: p.Tyr637Ter; replaces tyrosine 637 with a stop codon.
Molecular consequence: nonsense.
Genome position (GRCh38, 1-based): chr1:77,942,712, C>A. VCF-style: chr1-77942712-C-A. GRCh37 (hg19) VCF-style: chr1-78408397-C-A.
Other names: p.Y637*:TAC>TAA; c.1719C>A, p.Tyr573Ter (NM_001172309.2); short protein forms Y637*, Y573*.
Identifiers: ClinVar variation 201933 (VCV000201933.8), dbSNP rs772833406, ClinGen allele CA335439.
Genomic context (GRCh38, chr1:77,942,712, plus strand): 5'-TGAAGGAGAAATACTGCAGGATGGAGAAGACTATCAATATATTGAAAGGGGAGAAACTTA[C>A]TGCCTTTACTTACCAGAAACTTTCCCAGAAGATGGAGGAGAGTATATGTGTAAAGCAGTC-3'